The following is an entry in ClinVar:

ClinVar aggregate classification (germline): Likely benign (1 of 4 stars; one submission).

Allele frequency attached by ClinVar (database versions not stated): 1000 Genomes Project 0.00100; 1000 Genomes Project 30x 0.00109; ExAC 0.00229; ESP Exome Variant Server 0.00254; gnomAD 0.00288; TOPMed 0.00318.
gnomAD v4.1: 6,796 of 1,578,818 alleles (0.43%); highest among the groups gnomAD compares: Non-Finnish European, 0.53%; 28 homozygotes.

Submission:

CeGaT Center for Human Genetics Tuebingen
Classification: Likely benign. Last evaluated: 2022-11-01. Review status: criteria provided, single submitter. Criteria: CeGaT Center For Human Genetics Tuebingen Variant Classification Criteria Version 2. Collection method: clinical testing. Allele origin: germline. Affected: yes. Observed: 2 variant alleles.
Comment: ABCA9: BP4, BP7, BS2

NM_080283.4(ABCA9):c.3324C>T (p.Ile1108=)

Genes: ABCA9 (ATP binding cassette subfamily A member 9; minus strand), ABCA9-AS1 (ABCA9 antisense RNA 1; plus strand). Cytogenetic location: 17q24.2.
Variant type: single nucleotide variant.
Coding change: c.3324C>T on transcript NM_080283.4 (MANE Select); coding-DNA position 3324, C replaced by T.
Protein change: p.Ile1108=; no amino-acid change (isoleucine 1108 retained).
Molecular consequence: synonymous variant.
Genome position (GRCh38, 1-based): chr17:69,007,870, G>A on the plus strand (C>T on the coding strand, the complement: ABCA9 is on the minus strand). VCF-style: chr17-69007870-G-A. GRCh37 (hg19) VCF-style: chr17-67004011-G-A.
Identifiers: ClinVar variation 2648159 (VCV002648159.24), dbSNP rs150518027, ClinGen allele CA8732403.